The following is an entry in ClinVar:

NM_001166108.2(PALLD):c.3124T>C (p.Tyr1042His)

Genes: CBR4 (carbonyl reductase 4; minus strand), PALLD (palladin, cytoskeletal associated protein; plus strand). Cytogenetic location: 4q32.3.
Variant type: single nucleotide variant.
Coding change: c.3124T>C on transcript NM_001166108.2 (MANE Select); coding-DNA position 3124, T replaced by C.
Protein change: p.Tyr1042His; replaces tyrosine 1042 with histidine.
Molecular consequence: missense variant.
Genome position (GRCh38, 1-based): chr4:168,924,320, T>C. VCF-style: chr4-168924320-T-C. GRCh37 (hg19) VCF-style: chr4-169845471-T-C.
Other names: c.1927T>C, p.Tyr643His (NM_001166109.2); c.1612T>C, p.Tyr538His (NM_001166110.2); c.952T>C, p.Tyr318His (NM_001367567.1, NM_001367569.1); c.1003T>C, p.Tyr335His (NM_001367568.1, NM_001367570.1); c.3073T>C, p.Tyr1025His (NM_016081.4); short protein forms Y538H, Y1025H, Y318H, Y1042H, Y335H, Y643H.
Identifiers: ClinVar variation 3725283 (VCV003725283.2).

ClinVar aggregate classification (germline): Uncertain significance (1 of 4 stars; one submission).

Conditions:
Pancreatic adenocarcinoma. Identifiers: MedGen C0281361, MONDO:0006047, HP:0006725.

Submission:

Labcorp Genetics (formerly Invitae), Labcorp
Classification: Uncertain significance for Pancreatic adenocarcinoma. Last evaluated: 2024-11-15. Review status: criteria provided, single submitter. Criteria: Invitae Variant Classification Sherloc (09022015). Collection method: clinical testing. Allele origin: germline.
Comment: This sequence change replaces tyrosine, which is neutral and polar, with histidine, which is basic and polar, at codon 538 of the PALLD protein (p.Tyr538His). This variant is not present in population databases (gnomAD no frequency). This variant has not been reported in the literature in individuals affected with PALLD-related conditions. An algorithm developed to predict the effect of missense changes on protein structure and function (PolyPhen-2) suggests that this variant is likely to be disruptive. In summary, the available evidence is currently insufficient to determine the role of this variant in disease. Therefore, it has been classified as a Variant of Uncertain Significance.